The following is an entry in ClinVar:

ClinVar aggregate classification (germline): Uncertain significance (1 of 4 stars; one submission).

Submission:

GeneDx
Classification: Uncertain significance. Last evaluated: 2024-04-30. Review status: criteria provided, single submitter. Criteria: GeneDx Variant Classification Process June 2021. Collection method: clinical testing. Allele origin: germline.
Comment: Not observed at significant frequency in large population cohorts (gnomAD); In silico analysis indicates that this missense variant does not alter protein structure/function; Has not been previously published as pathogenic or benign to our knowledge

NM_017635.5(KMT5B):c.418G>A (p.Val140Ile)

Gene: KMT5B (lysine methyltransferase 5B; minus strand). Cytogenetic location: 11q13.2.
Variant type: single nucleotide variant.
Coding change: c.418G>A on transcript NM_017635.5 (MANE Select); coding-DNA position 418, G replaced by A.
Protein change: p.Val140Ile; replaces valine 140 with isoleucine.
Molecular consequence: missense variant. On other transcripts: 5 prime UTR variant (9), non-coding transcript variant (3).
Genome position (GRCh38, 1-based): chr11:68,175,143, C>T on the plus strand (G>A on the coding strand, the complement: KMT5B is on the minus strand). VCF-style: chr11-68175143-C-T. GRCh37 (hg19) VCF-style: chr11-67942610-C-T.
Other names: c.-99G>A (NM_001300907.1, NM_001369424.1, NM_001369428.1 and 5 more transcripts); c.-250G>A (NM_001300908.2); c.349G>A, p.Val117Ile (NM_001300909.2); c.418G>A, p.Val140Ile (NM_001363566.2, NM_001369426.1, NM_001369427.1 and 1 more transcripts); c.205G>A, p.Val69Ile (NM_001369425.1); short protein forms V117I, V140I, V69I.
Identifiers: ClinVar variation 1803449 (VCV001803449.2), dbSNP rs2495373783, ClinGen allele CA381606542.
Genomic context (GRCh38, chr11:68,175,143, plus strand): 5'-CTGAAGTCAAACATTTGAAGGCTTTCTCCAAGTGTTCATCTTTCTTAAAACGTTCAATTA[C>T]TTCCTTTAGTTCTTCCTGCCTTCCTTTAATAGGCCTAAATCTGAAAGAAATCAAAAGAAT-3'
Protein context (NP_060105.3, residues 130-150): IKGRQEELKE[Val140Ile]IERFKKDEHL